The following is an entry in ClinVar:

ClinVar aggregate classification (germline): Uncertain significance (1 of 4 stars; one submission).

Conditions:
Inborn genetic diseases. Identifiers: MedGen C0950123, MeSH D030342.

gnomAD v4.1: 1 of 1,614,226 alleles (0.000062%); highest among the groups gnomAD compares: Non-Finnish European, 0.000085%; no homozygotes.

Submission:

Ambry Genetics
Classification: Uncertain significance for Inborn genetic diseases. Last evaluated: 2026-04-27. Review status: criteria provided, single submitter. Criteria: Ambry Variant Classification Scheme 2023. Collection method: clinical testing. Allele origin: germline.
Comment: The p.V1011A variant (also known as c.3032T>C), located in coding exon 23 of the BUB1B gene, results from a T to C substitution at nucleotide position 3032. The valine at codon 1011 is replaced by alanine, an amino acid with similar properties. This amino acid position is conserved. In addition, this alteration is predicted to be tolerated by in silico analysis. Based on the available evidence, the clinical significance of this variant remains unclear.

NM_001211.6(BUB1B):c.3032T>C (p.Val1011Ala)

Genes: BUB1B (BUB1 mitotic checkpoint serine/threonine kinase B; plus strand), BUB1B-PAK6 (BUB1B-PAK6 readthrough; plus strand). Cytogenetic location: 15q15.1.
Variant type: single nucleotide variant.
Coding change: c.3032T>C on transcript NM_001211.6 (MANE Select); coding-DNA position 3032, T replaced by C.
Protein change: p.Val1011Ala; replaces valine 1011 with alanine.
Molecular consequence: missense variant. On other transcripts: intron variant (2).
Genome position (GRCh38, 1-based): chr15:40,220,638, T>C. VCF-style: chr15-40220638-T-C. GRCh37 (hg19) VCF-style: chr15-40512839-T-C.
Other names: c.-201+2971T>C (NM_001128628.3); c.-118+2971T>C (NM_001128629.3); short protein forms V1011A.
Identifiers: ClinVar variation 4868002 (VCV004868002.1).